The following is an entry in ClinVar:

NM_002524.5(NRAS):c.268T>C (p.Phe90Leu)

Gene: NRAS (NRAS proto-oncogene, GTPase; minus strand). Cytogenetic location: 1p13.2.
Variant type: single nucleotide variant.
Coding change: c.268T>C on transcript NM_002524.5 (MANE Select); coding-DNA position 268, T replaced by C.
Protein change: p.Phe90Leu; replaces phenylalanine 90 with leucine.
Molecular consequence: missense variant.
Genome position (GRCh38, 1-based): chr1:114,713,822, A>G on the plus strand (T>C on the coding strand, the complement: NRAS is on the minus strand). VCF-style: chr1-114713822-A-G. GRCh37 (hg19) VCF-style: chr1-115256443-A-G.
Other names: c.268T>C (NM_002524.3); short protein forms F90L.
Identifiers: ClinVar variation 1320040 (VCV001320040.4), dbSNP rs1393160852, ClinGen allele CA341741356.

ClinVar aggregate classification (germline): Conflicting classifications of pathogenicity. Review status: criteria provided, conflicting classifications (1 of 4 stars). 2 submissions from 2 submitters: Likely pathogenic (1); Uncertain significance (1). Last evaluated 2022-09-15.

Conditions:
Focal-onset seizure. Also called: Focal seizures. Identifiers: MedGen C0751495, HP:0007359.

Allele frequency attached by ClinVar (database versions not stated): gnomAD exomes below 0.00001.

Submissions (2):

GeneDx
Classification: Uncertain significance. Last evaluated: 2022-09-15. Review status: criteria provided, single submitter. Criteria: GeneDx Variant Classification Process June 2021. Collection method: clinical testing. Allele origin: germline. Affected: yes.
Comment: In silico analysis supports that this missense variant has a deleterious effect on protein structure/function; Missense variants in this gene are often considered pathogenic (HGMD); Has not been previously published as pathogenic or benign to our knowledge

Dasa
Classification: Likely pathogenic for Focal-onset seizure. Last evaluated: 2021-09-02. Review status: criteria provided, single submitter. Criteria: ACMG Guidelines, 2015. Collection method: clinical testing. Allele origin: germline. Affected: yes. Observed: 1 variant allele.
Comment: The c.268T>C;p.(Phe90Leu) variant is located in a mutational hot spot and/or critical and well-established functional domain - PM1; variant is not present in population databases (rs1393160852 - gnomAD no frequency; ABraOM no frequency) - PM2; missense variant in NRAS that has a low rate of benign missense variation and in which missense variants are a common mechanism of disease (PMID: 29493581) - PP2; In silico analysis predicts this variant is probably damaging to the protein structure/function - PP3. In summary, the currently available evidence indicates that the variant is likely pathogenic.

Literature cited by the submitters: PubMed 29493581 (cited by Dasa).